The following is an entry in ClinVar:

NM_000130.5(F5):c.3679G>A (p.Gly1227Ser)

Gene: F5 (coagulation factor V; minus strand). Cytogenetic location: 1q24.2.
Variant type: single nucleotide variant.
Coding change: c.3679G>A on transcript NM_000130.5 (MANE Select); coding-DNA position 3679, G replaced by A.
Protein change: p.Gly1227Ser; replaces glycine 1227 with serine.
Molecular consequence: missense variant.
Genome position (GRCh38, 1-based): chr1:169,541,411, C>T on the plus strand (G>A on the coding strand, the complement: F5 is on the minus strand). VCF-style: chr1-169541411-C-T. GRCh37 (hg19) VCF-style: chr1-169510649-C-T.
Other names: short protein forms G1227S.
Identifiers: ClinVar variation 2689036 (VCV002689036.4), dbSNP rs549903844, ClinGen allele CA1233850.

ClinVar aggregate classification (germline): Conflicting classifications of pathogenicity. Review status: criteria provided, conflicting classifications (1 of 4 stars). 3 submissions from 3 submitters: Uncertain significance (2); Likely benign (1). Last evaluated 2025-06-06.

Conditions:
Inborn genetic diseases. Identifiers: MedGen C0950123, MeSH D030342.
F5-related disorder. Also called: F5-related condition.

gnomAD v4.1: 77 of 1,611,572 alleles (0.0048%); highest among the groups gnomAD compares: Middle Eastern, 0.016%; no homozygotes.

Submissions (3):

Ambry Genetics
Classification: Likely benign for Inborn genetic diseases. Last evaluated: 2025-06-06. Review status: criteria provided, single submitter. Criteria: Ambry Variant Classification Scheme 2023. Collection method: clinical testing. Allele origin: germline.

PreventionGenetics, part of Exact Sciences
Classification: Uncertain significance for F5-related condition. Last evaluated: 2025-01-06. Review status: criteria provided, single submitter. Criteria: ACMG Guidelines, 2015. Collection method: clinical testing. Allele origin: germline.
Comment: The F5 c.3679G>A variant is predicted to result in the amino acid substitution p.Gly1227Ser. To our knowledge, this variant has not been reported in the literature. This variant is reported in 0.0050% of alleles in individuals of East Asian descent in gnomAD. At this time, the clinical significance of this variant is uncertain due to the absence of conclusive functional and genetic evidence.

Revvity Omics, Revvity
Classification: Uncertain significance. Last evaluated: 2023-07-27. Review status: criteria provided, single submitter. Criteria: ACMG Guidelines, 2015. Collection method: clinical testing. Allele origin: germline.